The following is an entry in ClinVar:

ClinVar aggregate classification (germline): Likely benign (0 of 4 stars; one submission).

Conditions:
TUBG1-related disorder. Also called: TUBG1-related condition.

Allele frequency attached by ClinVar (database versions not stated): gnomAD 0.00001.

Submission:

PreventionGenetics, part of Exact Sciences
Classification: Likely benign for TUBG1-related condition. Last evaluated: 2021-03-18. Review status: no assertion criteria provided. Collection method: clinical testing. Allele origin: germline.
Comment: This variant is classified as likely benign based on ACMG/AMP sequence variant interpretation guidelines (Richards et al. 2015 PMID: 25741868, with internal and published modifications).

NM_001070.5(TUBG1):c.183C>A (p.Ile61=)

Gene: TUBG1 (tubulin gamma 1; plus strand). Cytogenetic location: 17q21.2.
Variant type: single nucleotide variant.
Coding change: c.183C>A on transcript NM_001070.5 (MANE Select); coding-DNA position 183, C replaced by A.
Protein change: p.Ile61=; no amino-acid change (isoleucine 61 retained).
Molecular consequence: synonymous variant.
Genome position (GRCh38, 1-based): chr17:42,610,443, C>A. VCF-style: chr17-42610443-C-A. GRCh37 (hg19) VCF-style: chr17-40762461-C-A.
Identifiers: ClinVar variation 3030876 (VCV003030876.2), dbSNP rs2052022966, ClinGen allele CA500220908.